The following is an entry in ClinVar:

NM_004069.6(AP2S1):c.29G>A (p.Arg10Gln)

Gene: AP2S1 (adaptor related protein complex 2 subunit sigma 1; minus strand). Cytogenetic location: 19q13.32.
Variant type: single nucleotide variant.
Coding change: c.29G>A on transcript NM_004069.6 (MANE Select); coding-DNA position 29, G replaced by A.
Protein change: p.Arg10Gln; replaces arginine 10 with glutamine.
Molecular consequence: missense variant.
Genome position (GRCh38, 1-based): chr19:46,846,117, C>T on the plus strand (G>A on the coding strand, the complement: AP2S1 is on the minus strand). VCF-style: chr19-46846117-C-T. GRCh37 (hg19) VCF-style: chr19-47349374-C-T.
Other names: c.77G>A, p.Arg26Gln (NM_001301076.3); c.29G>A, p.Arg10Gln (NM_001301078.3, NM_021575.5); c.35G>A, p.Arg12Gln (NM_001301081.3); short protein forms R10Q, R12Q, R26Q.
Identifiers: ClinVar variation 1809865 (VCV001809865.1), dbSNP rs1297109231, ClinGen allele CA406510143.

ClinVar aggregate classification (germline): Uncertain significance (1 of 4 stars; one submission).

Allele frequency attached by ClinVar (database versions not stated): gnomAD exomes below 0.00001.
gnomAD v4.1: 7 of 1,614,056 alleles (0.00043%); highest among the groups gnomAD compares: Admixed American, 0.0017%; no homozygotes.

Submission:

GeneDx
Classification: Uncertain significance. Last evaluated: 2022-06-30. Review status: criteria provided, single submitter. Criteria: GeneDx Variant Classification Process June 2021. Collection method: clinical testing. Allele origin: germline. Affected: yes.
Comment: Not observed at significant frequency in large population cohorts (gnomAD); In silico analysis supports that this missense variant has a deleterious effect on protein structure/function; Has not been previously published as pathogenic or benign to our knowledge